The following is an entry in ClinVar:

NM_014141.6(CNTNAP2):c.2054A>G (p.Tyr685Cys)

Gene: CNTNAP2 (contactin associated protein 2; plus strand). Cytogenetic location: 7q35.
Variant type: single nucleotide variant.
Coding change: c.2054A>G on transcript NM_014141.6 (MANE Select); coding-DNA position 2054, A replaced by G.
Protein change: p.Tyr685Cys; replaces tyrosine 685 with cysteine.
Molecular consequence: missense variant.
Genome position (GRCh38, 1-based): chr7:147,639,262, A>G. VCF-style: chr7-147639262-A-G. GRCh37 (hg19) VCF-style: chr7-147336354-A-G.
Other names: short protein forms Y685C.
Identifiers: ClinVar variation 1318992 (VCV001318992.2), dbSNP rs2116924229, ClinGen allele CA369926385.

ClinVar aggregate classification (germline): Uncertain significance (1 of 4 stars; one submission).

Allele frequency attached by ClinVar (database versions not stated): gnomAD exomes below 0.00001.
gnomAD v4.1: 5 of 1,614,096 alleles (0.00031%); highest among the groups gnomAD compares: Non-Finnish European, 0.00042%; no homozygotes.

Submission:

GeneDx
Classification: Uncertain significance. Last evaluated: 2020-10-21. Review status: criteria provided, single submitter. Criteria: GeneDx Variant Classification Process June 2021. Collection method: clinical testing. Allele origin: germline. Affected: yes.
Comment: Not observed in large population cohorts (Lek et al., 2016); In silico analysis supports that this missense variant has a deleterious effect on protein structure/function; Has not been previously published as pathogenic or benign to our knowledge